The following is an entry in ClinVar:

NM_013386.5(SLC25A24):c.184-6661T>A

Gene: SLC25A24 (solute carrier family 25 member 24; minus strand). Cytogenetic location: 1p13.3.
Variant type: single nucleotide variant.
Coding change: c.184-6661T>A on transcript NM_013386.5 (MANE Select); 6661 bases into the intron before coding-DNA position 184, T replaced by A.
Molecular consequence: intron variant. On other transcripts: missense variant (1).
Genome position (GRCh38, 1-based): chr1:108,192,615, A>T on the plus strand (T>A on the coding strand, the complement: SLC25A24 is on the minus strand). VCF-style: chr1-108192615-A-T. GRCh37 (hg19) VCF-style: chr1-108735237-A-T.
Other names: c.7T>A, p.Ser3Thr (NM_213651.3); short protein forms S3T.
Identifiers: ClinVar variation 4083690 (VCV004083690.8).
Genomic context (GRCh38, chr1:108,192,615, plus strand): 5'-AAATGTCCAAGGTCCCATCCTTGTTATAGTCCAGGTACCAAAAGAGATCTCCGTAGAGGG[A>T]GTCCATCGAGGATGTCTCCCTCGCAGCTCCGCGGCCTGAGTGAGCCCCAGCGGGGTGGAA-3'

ClinVar aggregate classification (germline): Likely benign (1 of 4 stars; one submission).

gnomAD v4.1: 343 of 1,496,144 alleles (0.023%); highest among the groups gnomAD compares: Non-Finnish European, 0.029%; 60 homozygotes.

Submission:

CeGaT Center for Human Genetics Tuebingen
Classification: Likely benign. Last evaluated: 2025-08-01. Review status: criteria provided, single submitter. Criteria: CeGaT Center For Human Genetics Tuebingen Variant Classification Criteria Version 2. Collection method: clinical testing. Allele origin: germline. Affected: yes. Observed: 1 variant allele.
Comment: SLC25A24: BP4, BS2